The following is an entry in ClinVar:

ClinVar aggregate classification (germline): drug response (0 of 4 stars; one submission).

Conditions:
Corticosteroids response. Also called: Corticosteroid response.

Submission:

Genetic Testing Lab, Ashok and Rita Patel Institute of Integrated Study and Research in Biotechnology and Allied Sciences
Classification: drug response for Corticosteroid response. Last evaluated: 2022-05-20. Review status: no assertion criteria provided. Collection method: research. Allele origin: somatic. Affected: yes. Observed: 37 variant alleles.
Comment: Depending upon patients response to standard corticosteroids therapy, they were classified to be either Steroid resistance(SRNS)(poor metabolizer) or steroid sensitive(SSNS)(likley responsive)

NM_004998.4(MYO1E):c.110A>G (p.Glu37Gly)

Gene: MYO1E (myosin IE; minus strand). Cytogenetic location: 15q22.2.
Variant type: single nucleotide variant.
Coding change: c.110A>G on transcript NM_004998.4 (MANE Select); coding-DNA position 110, A replaced by G.
Protein change: p.Glu37Gly; replaces glutamic acid 37 with glycine.
Molecular consequence: missense variant.
Genome position (GRCh38, 1-based): chr15:59,272,343, T>C on the plus strand (A>G on the coding strand, the complement: MYO1E is on the minus strand). VCF-style: chr15-59272343-T-C. GRCh37 (hg19) VCF-style: chr15-59564542-T-C.
Other names: short protein forms E37G.
Identifiers: ClinVar variation 1698685 (VCV001698685.2), dbSNP rs2140382260, ClinGen allele CA392651291.